The following is an entry in ClinVar:

NM_001360.3(DHCR7):c.1084C>T (p.Arg362Cys)

Gene: DHCR7 (7-dehydrocholesterol reductase; minus strand). Cytogenetic location: 11q13.4.
Variant type: single nucleotide variant.
Coding change: c.1084C>T on transcript NM_001360.3 (MANE Select); coding-DNA position 1084, C replaced by T.
Protein change: p.Arg362Cys; replaces arginine 362 with cysteine.
Molecular consequence: missense variant.
Genome position (GRCh38, 1-based): chr11:71,435,719, G>A on the plus strand (C>T on the coding strand, the complement: DHCR7 is on the minus strand). VCF-style: chr11-71435719-G-A. GRCh37 (hg19) VCF-style: chr11-71146765-G-A.
Other names: c.1084C>T, p.Arg362Cys (NM_001163817.2); short protein forms R362C.
Identifiers: ClinVar variation 562390 (VCV000562390.11), dbSNP rs371302153, ClinGen allele CA6162319.

ClinVar aggregate classification (germline): Conflicting classifications of pathogenicity. Review status: criteria provided, conflicting classifications (1 of 4 stars). 6 submissions from 6 submitters: Likely pathogenic (1); Uncertain significance (4). 1 of the submissions does not count toward it. Last evaluated 2026-01-23.

Conditions:
DHCR7-related disorder. Also called: DHCR7-related condition.
Smith-Lemli-Opitz syndrome (SLOS). Also called: POLYDACTYLY, SEX REVERSAL, RENAL HYPOPLASIA, AND UNILOBAR LUNG; RSH SYNDROME; RUTLEDGE LETHAL MULTIPLE CONGENITAL ANOMALY SYNDROME; 7-Dehydrocholesterol reductase deficiency; LETHAL ACRODYSGENITAL SYNDROME. Identifiers: Orphanet 818, MedGen C0175694, MONDO:0010035, OMIM 270400.

Allele frequency attached by ClinVar (database versions not stated): gnomAD 0.00001; TOPMed 0.00002; ExAC 0.00003; ESP Exome Variant Server 0.00008.

Submissions (6):

Dasa
Classification: Uncertain significance for Smith-Lemli-Opitz syndrome. Last evaluated: 2026-01-23. Review status: criteria provided, single submitter. Criteria: DASA Assertion Criteria. Collection method: clinical testing. Allele origin: germline.
Comment: NM_001360.3(DHCR7):c.1084C>T (p.Arg362Cys) is a missense variant that results in the substitution of arginine with cysteine. This variant has been observed in affected individuals with DHCR7-related disorders. Also, this variant is rare in population databases. Computational prediction algorithms are consistent with a deleterious effect. The currently available literature and clinical evidence are not sufficient to establish a definitive association between this variant and the reported condition. Therefore, this variant is classified as a variant of uncertain significance.

Labcorp Genetics (formerly Invitae), Labcorp
Classification: Likely pathogenic for Smith-Lemli-Opitz syndrome. Last evaluated: 2025-12-22. Review status: criteria provided, single submitter. Criteria: Invitae Variant Classification Sherloc (09022015). Collection method: clinical testing. Allele origin: germline.
Comment: This sequence change replaces arginine, which is basic and polar, with cysteine, which is neutral and slightly polar, at codon 362 of the DHCR7 protein (p.Arg362Cys). This variant is present in population databases (rs371302153, gnomAD 0.004%). This missense change has been observed in individual(s) with clinical features of DHCR7-related conditions (PMID: 10677299, 30586318). ClinVar contains an entry for this variant (Variation ID: 562390). Invitae Evidence Modeling of protein sequence and biophysical properties (such as structural, functional, and spatial information, amino acid conservation, physicochemical variation, residue mobility, and thermodynamic stability) indicates that this missense variant is expected to disrupt DHCR7 protein function with a positive predictive value of 95%. This variant disrupts the p.Arg362 amino acid residue in DHCR7. Other variant(s) that disrupt this residue have been determined to be pathogenic (internal data). This suggests that this residue is clinically significant, and that variants that disrupt this residue are likely to be disease-causing. In summary, the currently available evidence indicates that the variant is pathogenic, but additional data are needed to prove that conclusively. Therefore, this variant has been classified as Likely Pathogenic.

Women's Health and Genetics/Laboratory Corporation of America, LabCorp
Classification: Uncertain significance. Last evaluated: 2025-06-02. Review status: criteria provided, single submitter. Criteria: LabCorp Variant Classification Summary - May 2015. Collection method: clinical testing. Allele origin: germline.
Comment: Variant summary: DHCR7 c.1084C>T (p.Arg362Cys) results in a non-conservative amino acid change in the encoded protein sequence. Algorithms developed to predict the effect of missense changes on protein structure and function all suggest that this variant is likely to be disruptive. The variant allele was found at a frequency of 2e-05 in 248946 control chromosomes. The available data on variant occurrences in the general population are insufficient to allow any conclusion about variant significance. c.1084C>T has been reported as an unspecified genotype in a study of individuals affected with Smith-Lemli-Opitz Syndrome (Witsch-Baumgartner_2000) and has been observed together with a second DHCR7 variant (phase not specified) in an individual who underwent WES for a clinical diagnosis of tubulointerstitial disease, although it was unclear if they exhibited clinical features of Smith-Lemli-Opitz Syndrome (Groopman_2019). These report(s) do not provide unequivocal conclusions about association of the variant with Smith-Lemli-Opitz Syndrome. To our knowledge, no experimental evidence demonstrating an impact on protein function has been reported. The following publications have been ascertained in the context of this evaluation (PMID: 30586318, 10677299). ClinVar contains an entry for this variant (Variation ID: 562390). Based on the evidence outlined above, the variant was classified as uncertain significance.

PreventionGenetics, part of Exact Sciences
Classification: Uncertain significance for DHCR7-related condition. Last evaluated: 2025-01-06. Review status: criteria provided, single submitter. Criteria: ACMG Guidelines, 2015. Collection method: clinical testing. Allele origin: germline.
Comment: The DHCR7 c.1084C>T variant is predicted to result in the amino acid substitution p.Arg362Cys. This variant has been documented in the literature in patients with Smith-Lemli-Opitz syndrome (Witsch-Baumgartner et al. 2000. PubMed ID: 10677299; Table S7, Groopman et al. 2018. PubMed ID: 30586318), and an alternate missense change at the same amino acid position has also been documented as causative (Cross et al. 2015. PubMed ID: 24813812). This variant is reported in 0.0040% of alleles in individuals of African descent in gnomAD. Although we suspect that this variant may be pathogenic, at this time, the clinical significance of this variant is uncertain due to the absence of conclusive functional and genetic evidence.

Fulgent Genetics
Classification: Uncertain significance for Smith-Lemli-Opitz syndrome. Last evaluated: 2024-05-20. Review status: criteria provided, single submitter. Criteria: ACMG Guidelines, 2015. Collection method: clinical testing. Allele origin: germline.

Gharavi Laboratory, Columbia University
Classification: Likely pathogenic. Last evaluated: 2018-09-16. Review status: no assertion criteria provided. Criteria: ACMG Guidelines, 2015. Collection method: research. Allele origin: germline. Affected: yes. Not counted in ClinVar's aggregate classification.

Literature cited by the submitters: PubMed 10677299 (cited by Labcorp Genetics (formerly Invitae), Labcorp and Women's Health and Genetics/Laboratory Corporation of America, LabCorp); PubMed 30586318 (cited by Labcorp Genetics (formerly Invitae), Labcorp and Women's Health and Genetics/Laboratory Corporation of America, LabCorp).